The following is an entry in ClinVar:

NM_000017.4(ACADS):c.449G>T (p.Gly150Val)

Gene: ACADS (acyl-CoA dehydrogenase short chain; plus strand). Cytogenetic location: 12q24.31.
Variant type: single nucleotide variant.
Coding change: c.449G>T on transcript NM_000017.4 (MANE Select); coding-DNA position 449, G replaced by T.
Protein change: p.Gly150Val; replaces glycine 150 with valine.
Molecular consequence: missense variant.
Genome position (GRCh38, 1-based): chr12:120,737,444, G>T. VCF-style: chr12-120737444-G-T. GRCh37 (hg19) VCF-style: chr12-121175247-G-T.
Other names: c.449G>T, p.Gly150Val (NM_001302554.2); short protein forms G150V.
Identifiers: ClinVar variation 393131 (VCV000393131.13), dbSNP rs1057524803, ClinGen allele CA16606080.

ClinVar aggregate classification (germline): Uncertain significance. Review status: criteria provided, multiple submitters, no conflicts (2 of 4 stars). 3 submissions from 3 submitters: Uncertain significance (3). Last evaluated 2021-11-07.

Conditions:
Deficiency of butyryl-CoA dehydrogenase (ACADSD). Also called: Short-Chain Acyl-CoA Dehydrogenase Deficiency; ACYL-CoA DEHYDROGENASE, SHORT-CHAIN, DEFICIENCY OF; SCAD DEFICIENCY, MILD; SCAD Deficiency; ACADS DEFICIENCY; SCADH DEFICIENCY. Identifiers: Orphanet 26792, MedGen C0342783, MONDO:0008722, OMIM 201470. Disease mechanism: May be benign.

Allele frequency attached by ClinVar (database versions not stated): gnomAD 0.00001; TOPMed 0.00001.
gnomAD v4.1: 3 of 1,614,016 alleles (0.00019%); highest among the groups gnomAD compares: Non-Finnish European, 0.00017%; no homozygotes.

Submissions (3):

Genome-Nilou Lab
Classification: Uncertain significance for Deficiency of butyryl-CoA dehydrogenase. Last evaluated: 2021-11-07. Review status: criteria provided, single submitter. Criteria: ACMG Guidelines, 2015. Collection method: clinical testing. Allele origin: germline. Affected: no.

Labcorp Genetics (formerly Invitae), Labcorp
Classification: Uncertain significance for Deficiency of butyryl-CoA dehydrogenase. Last evaluated: 2019-10-29. Review status: criteria provided, single submitter. Criteria: Invitae Variant Classification Sherloc (09022015). Collection method: clinical testing. Allele origin: germline.
Comment: This sequence change replaces glycine with valine at codon 150 of the ACADS protein (p.Gly150Val). The glycine residue is highly conserved and there is a moderate physicochemical difference between glycine and valine. This variant is not present in population databases (ExAC no frequency). This variant has been observed in individual(s) with a ACADS-related condition (PMID: 28532786). ClinVar contains an entry for this variant (Variation ID: 393131). Algorithms developed to predict the effect of missense changes on protein structure and function are either unavailable or do not agree on the potential impact of this missense change (SIFT: "Deleterious"; PolyPhen-2: "Probably Damaging"; Align-GVGD: "Class C15"). In summary, the available evidence is currently insufficient to determine the role of this variant in disease. Therefore, it has been classified as a Variant of Uncertain Significance.

GeneDx
Classification: Uncertain significance. Last evaluated: 2017-01-17. Review status: criteria provided, single submitter. Criteria: GeneDx Variant Classification (06012015). Collection method: clinical testing. Allele origin: germline. Affected: yes.
Comment: The G150V variant has been reported in a single patient with short chain acyl-CoA dehydrogenase (SCAD) deficiency who also harbored the G209S reportable variant (B.T. van Maldegem, 2011). The G150V variant was not observed in approximately 6500 individuals of European and African American ancestry in the NHLBI Exome Sequencing Project, indicating it is not a common benign variant in these populations. The G150V variant is a conservative amino acid substitution, which is not likely to impact secondary protein structure as these residues share similar properties. This substitution occurs at a position that is conserved across species. In silico analysis predicts this variant is probably damaging to the protein structure/function. In summary, based on the currently available information, it is unclear whether this variant is a pathogenic variant or a rare benign variant.

Literature cited by the submitters: PubMed 28532786 (cited by Labcorp Genetics (formerly Invitae), Labcorp).